The following is an entry in ClinVar:

ClinVar aggregate classification (germline): Uncertain significance. Review status: criteria provided, multiple submitters, no conflicts (2 of 4 stars). 2 submissions from 2 submitters: Uncertain significance (2). Last evaluated 2025-08-08.

Allele frequency attached by ClinVar (database versions not stated): gnomAD exomes below 0.00001; TOPMed below 0.00001.
gnomAD v4.1: 2 of 1,614,236 alleles (0.00012%); highest among the groups gnomAD compares: Admixed American, 0.0017%; no homozygotes.

Submissions (2):

GeneDx
Classification: Uncertain significance. Last evaluated: 2025-08-08. Review status: criteria provided, single submitter. Criteria: GeneDx Variant Classification Process June 2021. Collection method: clinical testing. Allele origin: germline. Affected: yes.
Comment: Not observed at significant frequency in large population cohorts (gnomAD); In silico analysis supports that this missense variant has a deleterious effect on protein structure/function; Has not been previously published as pathogenic or benign to our knowledge

Labcorp Genetics (formerly Invitae), Labcorp
Classification: Uncertain significance. Last evaluated: 2022-02-08. Review status: criteria provided, single submitter. Criteria: Invitae Variant Classification Sherloc (09022015). Collection method: clinical testing. Allele origin: germline.
Comment: This sequence change replaces lysine, which is basic and polar, with glutamic acid, which is acidic and polar, at codon 122 of the PAX3 protein (p.Lys122Glu). This variant is not present in population databases (gnomAD no frequency). This variant has not been reported in the literature in individuals affected with PAX3-related conditions. Algorithms developed to predict the effect of missense changes on protein structure and function are either unavailable or do not agree on the potential impact of this missense change (SIFT: "Deleterious"; PolyPhen-2: "Benign"; Align-GVGD: "Class C15"). In summary, the available evidence is currently insufficient to determine the role of this variant in disease. Therefore, it has been classified as a Variant of Uncertain Significance.

NM_181458.4(PAX3):c.364A>G (p.Lys122Glu)

Gene: PAX3 (paired box 3; minus strand). Cytogenetic location: 2q36.1.
Variant type: single nucleotide variant.
Coding change: c.364A>G on transcript NM_181458.4 (MANE Select); coding-DNA position 364, A replaced by G.
Protein change: p.Lys122Glu; replaces lysine 122 with glutamic acid.
Molecular consequence: missense variant.
Genome position (GRCh38, 1-based): chr2:222,295,615, T>C on the plus strand (A>G on the coding strand, the complement: PAX3 is on the minus strand). VCF-style: chr2-222295615-T-C. GRCh37 (hg19) VCF-style: chr2-223160334-T-C.
Other names: c.364A>G, p.Lys122Glu (NM_000438.6, NM_013942.5, NM_181457.4 and 3 more transcripts); c.361A>G, p.Lys121Glu (NM_001127366.3); c.364A>G (NM_181457.3); short protein forms K121E, K122E.
Identifiers: ClinVar variation 1918125 (VCV001918125.6), dbSNP rs1695254940, ClinGen allele CA351113232.
Genomic context (GRCh38, chr2:222,295,615, plus strand): 5'-CCGCGTCCTTGAGTAATTTGTCTCGGATTTCCCAGCTGAACATGCCCGGGTTCTCTCTTT[T>C]GTATTCCTCAATTTTCTTCTCCACGTCAGGCGTTGTCACCTGCTTTAAGAGAACAGGCGG-3'
Protein context (NP_852123.1, residues 112-132): PDVEKKIEEY[Lys122Glu]RENPGMFSWE